The following is an entry in ClinVar:

ClinVar aggregate classification (germline): Uncertain significance (1 of 4 stars; one submission).

Submission:

Labcorp Genetics (formerly Invitae), Labcorp
Classification: Uncertain significance. Last evaluated: 2022-10-25. Review status: criteria provided, single submitter. Criteria: Invitae Variant Classification Sherloc (09022015). Collection method: clinical testing. Allele origin: germline.
Comment: In summary, the available evidence is currently insufficient to determine the role of this variant in disease. Therefore, it has been classified as a Variant of Uncertain Significance. Experimental studies and prediction algorithms are not available or were not evaluated, and the functional significance of this variant is currently unknown. This variant has not been reported in the literature in individuals affected with NCSTN-related conditions. This variant is not present in population databases (gnomAD no frequency). This variant, c.115_126del, results in the deletion of 4 amino acid(s) of the NCSTN protein (p.Lys39_Ile42del), but otherwise preserves the integrity of the reading frame.

NM_015331.3(NCSTN):c.115_126del (p.Lys39_Ile42del)

Gene: NCSTN (nicastrin; plus strand). Cytogenetic location: 1q23.2.
Variant type: Deletion.
Coding change: c.115_126del on transcript NM_015331.3 (MANE Select); coding-DNA positions 115 to 126, 12 bases deleted (AAGATATATATC).
Protein change: p.Lys39_Ile42del.
Molecular consequence: inframe deletion.
Genome position (GRCh38, 1-based): chr1:160,344,751-160,344,762, AAGATATATATC deleted. VCF-style (leftmost placement, unchanged base first): chr1-160344750-GAAGATATATATC-G. GRCh37 (hg19) VCF-style: chr1-160314540-GAAGATATATATC-G.
Other names: c.55_66del, p.Lys19_Ile22del (NM_001290184.2); c.115_126del, p.Lys39_Ile42del (NM_001290186.2, NM_001349729.2).
Identifiers: ClinVar variation 2063858 (VCV002063858.4), dbSNP rs2525496766, ClinGen allele CA2580061280.
Genomic context (GRCh38, chr1:160,344,750, plus strand): 5'-AATTTTTCTAACACTTTTTATCTTCCGATCAGGTTTGTGCAGGGGAAACTCAGTGGAGAG[GAAGATATATATC>G]CCCTTAAATAAAACAGCTCCCTGTGTTCGCCTGCTCAACGCCACTCATCAGATTGGCTGC-3'